The following is an entry in ClinVar:

ClinVar aggregate classification (germline): Pathogenic/Likely pathogenic. Review status: criteria provided, multiple submitters, no conflicts (2 of 4 stars). 10 submissions from 10 submitters: Pathogenic (6); Likely pathogenic (3). 1 of the submissions does not count toward it. Last evaluated 2024-08-28.

Conditions:
ACTB-related BAFopathy.
Inborn genetic diseases. Identifiers: MedGen C0950123, MeSH D030342.
Baraitser-Winter syndrome 1 (BRWS1). Also called: Cerebrofrontofacial syndrome; BARAITSER-WINTER SYNDROME 1, ATYPICAL; PACHYGYRIA, MENTAL RETARDATION, EPILEPSY, AND CHARACTERISTIC FACIES; MENTAL RETARDATION WITH EPILEPSY AND CHARACTERISTIC FACIES. Identifiers: Orphanet 2649, Orphanet 2995, MedGen C1855722, MONDO:0009470, OMIM 243310.

Submissions (10):

GeneDx
Classification: Pathogenic. Last evaluated: 2024-08-28. Review status: criteria provided, single submitter. Criteria: GeneDx Variant Classification Process June 2021. Collection method: clinical testing. Allele origin: germline. Affected: yes.
Comment: Not observed at significant frequency in large population cohorts (gnomAD); The majority of missense variants in this gene are considered pathogenic; In silico analysis indicates that this missense variant does not alter protein structure/function; This variant is associated with the following publications: (PMID: 28191890, 30733661, 28991257, 32860008, 34906496, 31941532, 25052316, 32368696)

Daryl Scott Lab, Baylor College of Medicine
Classification: Pathogenic for Baraitser-Winter syndrome 1. Last evaluated: 2024-01-01. Review status: criteria provided, single submitter. Criteria: ACMG Guidelines, 2015. Collection method: clinical testing. Allele origin: de novo. Affected: yes. Observed: 1 heterozygote.
Comment: PS2, PS4, PM2, PP3

Ambry Genetics
Classification: Pathogenic for Inborn genetic diseases. Last evaluated: 2023-05-23. Review status: criteria provided, single submitter. Criteria: Ambry Variant Classification Scheme 2023. Collection method: clinical testing. Allele origin: germline.
Comment: The c.625G>A (p.V209M) alteration is located in exon 4 (coding exon 3) of the ACTB gene. This alteration results from a G to A substitution at nucleotide position 625, causing the valine (V) at amino acid position 209 to be replaced by a methionine (M)._x000D_ _x000D_ The ACTB c.625G>A (p.V209M) alteration is classified as pathogenic for Baraitser-Winter syndrome; however, its clinical significance for ACTB-related pleiotropic malformation syndrome is unclear. This variant was not reported in population-based cohorts in the Genome Aggregation Database (gnomAD). This alteration, also referred to as c.625G>A (p.V209L), was reported in multiple individuals with features consistent with Baraitser-Winter syndrome (Verloes, 2015; Bertoli-Avella, 2021), including an individual with a de novo occurrence (Jin, 2017; Edwards, 2020; Gonzalez-Teran, 2022). This amino acid position is highly conserved in available vertebrate species. This missense alteration is located in a region that has a low rate of benign missense variation (Lek, 2016; Firth, 2009). The in silico prediction for this alteration is inconclusive. Based on the available evidence, this alteration is classified as pathogenic.

CeGaT Center for Human Genetics Tuebingen
Classification: Pathogenic. Last evaluated: 2023-02-01. Review status: criteria provided, single submitter. Criteria: CeGaT Center For Human Genetics Tuebingen Variant Classification Criteria Version 2. Collection method: clinical testing. Allele origin: germline. Affected: yes. Observed: 1 variant allele.
Comment: ACTB: PS2, PM2, PS4:Moderate, PP2, PP3

Baylor Genetics
Classification: Pathogenic for ACTB-related BAFopathy. Last evaluated: 2021-06-10. Review status: criteria provided, single submitter. Criteria: ACMG Guidelines, 2015. Collection method: clinical testing. Allele origin: unknown, de novo. Affected: yes.

Institute of Medical Genetics and Applied Genomics, University Hospital Tübingen
Classification: Likely pathogenic. Last evaluated: 2020-10-23. Review status: criteria provided, single submitter. Criteria: ACMG Guidelines, 2015. Collection method: clinical testing. Allele origin: germline. Inheritance: Autosomal unknown. Affected: yes.

Institute of Human Genetics Munich, TUM University Hospital
Classification: Pathogenic for Baraitser-Winter syndrome 1. Last evaluated: 2020-06-19. Review status: criteria provided, single submitter. Criteria: Classification criteria August 2017. Collection method: clinical testing. Allele origin: germline. Inheritance: Autosomal dominant inheritance. Affected: yes. Observed: 1 heterozygote.

Genetic Services Laboratory, University of Chicago
Classification: Likely pathogenic for Baraitser-Winter syndrome 1. Last evaluated: 2013-07-02. Review status: criteria provided, single submitter. Criteria: ACMG Guidelines, 2007. Collection method: clinical testing. Allele origin: germline. Inheritance: Autosomal recessive inheritance. Affected: yes.

CENTOGENE GmbH and LLC - Guiding Precision Medicine
Classification: Likely pathogenic for Baraitser-Winter syndrome 1. Review status: criteria provided, single submitter. Criteria: ACMG Guidelines, 2015. Collection method: clinical testing. Allele origin: germline. Affected: yes.

Department of Genetics, Robert DEBRE University Hospital
Classification: Pathogenic for Iris coloboma with ptosis, hypertelorism, and mental retardation. Last evaluated: 2014-04-15. Review status: no assertion criteria provided. Collection method: clinical testing. Allele origin: germline. Affected: yes. Observed: 1 variant allele. Not counted in ClinVar's aggregate classification.

Literature cited by the submitters: PubMed 25052316 (cited by Ambry Genetics and Department of Genetics, Robert DEBRE University Hospital); PubMed 28991257 (cited by Ambry Genetics); PubMed 32368696 (cited by Ambry Genetics); PubMed 32860008 (cited by Ambry Genetics and CENTOGENE GmbH and LLC - Guiding Precision Medicine); PubMed 35182466 (cited by Ambry Genetics).

NM_001101.5(ACTB):c.625G>A (p.Val209Met)

Gene: ACTB (actin beta; minus strand). Cytogenetic location: 7p22.1.
Variant type: single nucleotide variant.
Coding change: c.625G>A on transcript NM_001101.5 (MANE Select); coding-DNA position 625, G replaced by A.
Protein change: p.Val209Met; replaces valine 209 with methionine.
Molecular consequence: missense variant.
Genome position (GRCh38, 1-based): chr7:5,528,458, C>T on the plus strand (G>A on the coding strand, the complement: ACTB is on the minus strand). VCF-style: chr7-5528458-C-T. GRCh37 (hg19) VCF-style: chr7-5568089-C-T.
Other names: c.625G>A (LRG_132t1); short protein forms V209M.
Identifiers: ClinVar variation 127172 (VCV000127172.45), dbSNP rs587779777, ClinGen allele CA213195.